The following is an entry in ClinVar:

NM_006767.4(LZTR1):c.780C>G (p.Phe260Leu)

Gene: LZTR1 (leucine zipper like post translational regulator 1; plus strand). Cytogenetic location: 22q11.21.
Variant type: single nucleotide variant.
Coding change: c.780C>G on transcript NM_006767.4 (MANE Select); coding-DNA position 780, C replaced by G.
Protein change: p.Phe260Leu; replaces phenylalanine 260 with leucine.
Molecular consequence: missense variant.
Genome position (GRCh38, 1-based): chr22:20,990,514, C>G. VCF-style: chr22-20990514-C-G. GRCh37 (hg19) VCF-style: chr22-21344803-C-G.
Other names: short protein forms F260L.
Identifiers: ClinVar variation 1760717 (VCV001760717.7), dbSNP rs1272024102, ClinGen allele CA410780695.

ClinVar aggregate classification (germline): Uncertain significance. Review status: criteria provided, multiple submitters, no conflicts (2 of 4 stars). 3 submissions from 3 submitters: Uncertain significance (3). Last evaluated 2025-12-11.

Conditions:
Hereditary cancer-predisposing syndrome. Also called: Neoplastic Syndromes, Hereditary; Tumor predisposition; Hereditary Cancer Syndrome; Hereditary neoplastic syndrome. Identifiers: Orphanet 140162, MedGen C0027672, MeSH D009386, MONDO:0015356.
Cardiovascular phenotype. Identifiers: MedGen CN230736.
LZTR1-related schwannomatosis. Also called: Schwannomatosis 2; Schwannomatosis-2, susceptibility to. Identifiers: Orphanet 93921, MedGen C3810283, MONDO:0014299, OMIM 615670.

Allele frequency attached by ClinVar (database versions not stated): TOPMed 0.00001; gnomAD 0.00002.
gnomAD v4.1: 3 of 1,611,682 alleles (0.00019%); highest among the groups gnomAD compares: African/African-American, 0.004%; no homozygotes.

Submissions (3):

Ambry Genetics
Classification: Uncertain significance for Cardiovascular phenotype; Hereditary cancer-predisposing syndrome. Last evaluated: 2025-12-11. Review status: criteria provided, single submitter. Criteria: Ambry Variant Classification Scheme 2023. Collection method: clinical testing. Allele origin: germline.
Comment: The c.780C>G (p.F260L) alteration is located in exon 8 (coding exon 8) of the LZTR1 gene. This alteration results from a C to G substitution at nucleotide position 780, causing the phenylalanine (F) at amino acid position 260 to be replaced by a leucine (L). Based on data from gnomAD, the G allele has an overall frequency of 0.003% (1/31402) total alleles studied. The highest observed frequency was 0.012% (1/8708) of African alleles. Based on insufficient or conflicting evidence, the clinical significance of this alteration remains unclear.

Labcorp Genetics (formerly Invitae), Labcorp
Classification: Uncertain significance. Last evaluated: 2025-04-07. Review status: criteria provided, single submitter. Criteria: Invitae Variant Classification Sherloc (09022015). Collection method: clinical testing. Allele origin: germline.
Comment: This sequence change replaces phenylalanine, which is neutral and non-polar, with leucine, which is neutral and non-polar, at codon 260 of the LZTR1 protein (p.Phe260Leu). This variant is present in population databases (no rsID available, gnomAD 0.01%). This variant has not been reported in the literature in individuals affected with LZTR1-related conditions. ClinVar contains an entry for this variant (Variation ID: 1760717). Invitae Evidence Modeling of protein sequence and biophysical properties (such as structural, functional, and spatial information, amino acid conservation, physicochemical variation, residue mobility, and thermodynamic stability) indicates that this missense variant is not expected to disrupt LZTR1 protein function with a negative predictive value of 80%. In summary, the available evidence is currently insufficient to determine the role of this variant in disease. Therefore, it has been classified as a Variant of Uncertain Significance.

Baylor Genetics
Classification: Uncertain significance for LZTR1-related schwannomatosis. Last evaluated: 2024-02-27. Review status: criteria provided, single submitter. Criteria: ACMG Guidelines, 2015. Collection method: clinical testing. Allele origin: unknown.